The following is an entry in ClinVar:

NM_006859.4(LIAS):c.306C>A (p.Leu102=)

Gene: LIAS (lipoic acid synthetase; plus strand). Cytogenetic location: 4p14.
Variant type: single nucleotide variant.
Coding change: c.306C>A on transcript NM_006859.4 (MANE Select); coding-DNA position 306, C replaced by A.
Protein change: p.Leu102=; no amino-acid change (leucine 102 retained).
Molecular consequence: synonymous variant. On other transcripts: intron variant (2).
Genome position (GRCh38, 1-based): chr4:39,462,283, C>A. VCF-style: chr4-39462283-C-A. GRCh37 (hg19) VCF-style: chr4-39463903-C-A.
Other names: p.L102L:CTC>CTA; c.306C>A, p.Leu102= (NM_001278590.2, NM_001278591.2, NM_194451.3); c.219-1242C>A (NM_001363700.2, NM_001278592.2).
Identifiers: ClinVar variation 138118 (VCV000138118.15), dbSNP rs61731032, ClinGen allele CA291930.

ClinVar aggregate classification (germline): Benign. Review status: criteria provided, multiple submitters, no conflicts (2 of 4 stars). 4 submissions from 4 submitters: Benign (3). 1 of the submissions does not count toward it. Last evaluated 2026-02-03.

Conditions:
Lipoic acid synthetase deficiency. Also called: HYPERGLYCINEMIA, LACTIC ACIDOSIS, AND SEIZURES. Identifiers: Orphanet 401859, MedGen C3280887, MONDO:0013762, OMIM 614462.

Allele frequency attached by ClinVar (database versions not stated): ESP Exome Variant Server 0.02547; gnomAD 0.02579 and 0.02756; TOPMed 0.03063; gnomAD exomes 0.03082 and 0.03669; 1000 Genomes Project 30x 0.03529; 1000 Genomes Project 0.03574; ExAC 0.03974.
gnomAD v4.1: 46,851 of 1,515,042 alleles (3.1%); highest among the groups gnomAD compares: East Asian, 10%; 1,045 homozygotes.

Submissions (4):

Labcorp Genetics (formerly Invitae), Labcorp
Classification: Benign for Lipoic acid synthetase deficiency. Last evaluated: 2026-02-03. Review status: criteria provided, single submitter. Criteria: Invitae Variant Classification Sherloc (09022015). Collection method: clinical testing. Allele origin: germline.

GeneDx
Classification: Benign. Last evaluated: 2013-11-05. Review status: criteria provided, single submitter. Criteria: GeneDx Variant Classification (06012015). Collection method: clinical testing. Allele origin: germline. Affected: yes.
Comment: This variant is considered likely benign or benign based on one or more of the following criteria: it is a conservative change, it occurs at a poorly conserved position in the protein, it is predicted to be benign by multiple in silico algorithms, and/or has population frequency not consistent with disease.

Breakthrough Genomics
Classification: Benign. Review status: criteria provided, single submitter. Criteria: ACMG Guidelines, 2015. Collection method: not provided. Allele origin: germline. Inheritance: Autosomal recessive inheritance. Affected: yes.

Mayo Clinic Laboratories, Mayo Clinic
Classification: Benign. Last evaluated: 2016-02-19. Review status: no assertion criteria provided. Collection method: clinical testing. Allele origin: unknown. Not counted in ClinVar's aggregate classification.